The following is an entry in ClinVar:

ClinVar aggregate classification (germline): Uncertain significance (1 of 4 stars; one submission).

Submission:

Labcorp Genetics (formerly Invitae), Labcorp
Classification: Uncertain significance. Last evaluated: 2025-11-03. Review status: criteria provided, single submitter. Criteria: Invitae Variant Classification Sherloc (09022015). Collection method: clinical testing. Allele origin: germline.
Comment: This variant, c.1020_1031dup, results in the insertion of 4 amino acid(s) of the ARID1A protein (p.Ala346_Ala349dup), but otherwise preserves the integrity of the reading frame. This variant is not present in population databases (gnomAD no frequency). This variant has not been reported in the literature in individuals affected with ARID1A-related conditions. In summary, the available evidence is currently insufficient to determine the role of this variant in disease. Therefore, it has been classified as a Variant of Uncertain Significance.

NM_006015.6(ARID1A):c.1020_1031dup (p.Ala349_Ser350insAlaAlaAlaAla)

Genes: ARID1A (AT-rich interaction domain 1A; plus strand), LOC129929837 (ATAC-STARR-seq lymphoblastoid silent region 489; plus strand). Cytogenetic location: 1p36.11.
Variant type: Duplication.
Coding change: c.1020_1031dup on transcript NM_006015.6 (MANE Select); coding-DNA positions 1020 to 1031, 12 bases duplicated (GGCGGCGGCAGC).
Protein change: p.Ala349_Ser350insAlaAlaAlaAla.
Molecular consequence: inframe insertion.
Genome position (GRCh38, 1-based): chr1:26,697,423-26,697,434, GGCGGCGGCAGC duplicated; duplicating any 12 consecutive bases within chr1:26,697,421-26,697,434 gives the same sequence; the c. name uses the placement nearest the transcript's 3' end. VCF-style (leftmost placement, unchanged base first): chr1-26697420-T-TGCGGCGGCGGCA. GRCh37 (hg19) VCF-style: chr1-27023911-T-TGCGGCGGCGGCA.
Other names: c.1020_1031dup, p.Ala349_Ser350insAlaAlaAlaAla (NM_139135.4).
Identifiers: ClinVar variation 4695353 (VCV004695353.1).